The following is an entry in ClinVar:

ClinVar aggregate classification (germline): Uncertain significance (1 of 4 stars; one submission).

Allele frequency attached by ClinVar (database versions not stated): gnomAD 0.00001; TOPMed 0.00001.
gnomAD v4.1: 29 of 1,614,024 alleles (0.0018%); highest among the groups gnomAD compares: Non-Finnish European, 0.0024%; no homozygotes.

Submission:

Labcorp Genetics (formerly Invitae), Labcorp
Classification: Uncertain significance. Last evaluated: 2022-06-05. Review status: criteria provided, single submitter. Criteria: Invitae Variant Classification Sherloc (09022015). Collection method: clinical testing. Allele origin: germline.
Comment: In summary, the available evidence is currently insufficient to determine the role of this variant in disease. Therefore, it has been classified as a Variant of Uncertain Significance. Algorithms developed to predict the effect of missense changes on protein structure and function output the following: SIFT: "Tolerated"; PolyPhen-2: "Benign"; Align-GVGD: "Class C0". The valine amino acid residue is found in multiple mammalian species, which suggests that this missense change does not adversely affect protein function. ClinVar contains an entry for this variant (Variation ID: 1511829). This variant has not been reported in the literature in individuals affected with IGSF10-related conditions. This variant is present in population databases (no rsID available, gnomAD 0.01%). This sequence change replaces alanine, which is neutral and non-polar, with valine, which is neutral and non-polar, at codon 2194 of the IGSF10 protein (p.Ala2194Val).

NM_178822.5(IGSF10):c.6581C>T (p.Ala2194Val)

Gene: IGSF10 (immunoglobulin superfamily member 10; minus strand). Cytogenetic location: 3q25.1.
Variant type: single nucleotide variant.
Coding change: c.6581C>T on transcript NM_178822.5 (MANE Select); coding-DNA position 6581, C replaced by T.
Protein change: p.Ala2194Val; replaces alanine 2194 with valine.
Molecular consequence: missense variant.
Genome position (GRCh38, 1-based): chr3:151,437,980, G>A on the plus strand (C>T on the coding strand, the complement: IGSF10 is on the minus strand). VCF-style: chr3-151437980-G-A. GRCh37 (hg19) VCF-style: chr3-151155768-G-A.
Other names: c.518C>T, p.Ala173Val (NM_001178145.3, NM_001178146.3); c.6581C>T, p.Ala2194Val (NM_001385060.1, NM_001385061.1, NM_001385062.1 and 1 more transcripts); short protein forms A173V, A2194V.
Identifiers: ClinVar variation 1511829 (VCV001511829.6), dbSNP rs1192409592, ClinGen allele CA354991062.